The following is an entry in ClinVar:

ClinVar aggregate classification (germline): not provided (0 of 4 stars; one submission).

Conditions:
Small for gestational age. Also called: Low birth weight. Identifiers: MedGen C0235991, HP:0001518.

Submission:

Institute of Molecular and Cell Biology, University of Tartu
No classification provided. Condition: Small for gestational age. Review status: no classification provided. Collection method: case-control. Allele origin: unknown. Affected: yes. Study: Kasak2014.
Comment: The study aimed to determine the contribution of copy number variants in the genetic etiology of normal and complicated pregnancies. The samples represented (i) maternal blood DNA drawn from healthy pregnant women during 1st or 2nd trimester and (ii) maternal and paternal blood DNA drawn at term pregnancy cases representing normal and complicated gestations (severe preeclampsia, PE; gestational diabetes, GD; small-for-gestational age newborn, SGA; large-for-gestational age newborn, LGA). We performed CNV calling based on genome-wide genotyping dataset (Illumina HumanOmniExpress-24-v1 BeadChip) by applying three algorithms, QuantiSNP, GADA (Genome Alteration Detection Algorithm) and CNstream in parallel. The acquired CNV calls were merged with HD-CNV (Hotspot Detector for Copy Number Variants) program and only the CNVs predicted by at least two programs, were considered in subsequent analysis.

Literature cited by the submitters: PubMed 25666259.

NC_000006.12:g.147348950_147402441dup

Genes: STXBP5 (syntaxin binding protein 5; plus strand), LOC129389678 (MPRA-validated peak6199 silencer; plus strand), LOC129389679 (MPRA-validated peak6200 silencer; plus strand). Cytogenetic location: 6q24.3.
Variant type: Duplication.
Identifiers: ClinVar variation 157029 (VCV000157029.2).